The following is an entry in ClinVar:

ClinVar aggregate classification (germline): Pathogenic (1 of 4 stars; one submission).

Conditions:
Hereditary cancer-predisposing syndrome. Also called: Neoplastic Syndromes, Hereditary; Tumor predisposition; Hereditary Cancer Syndrome; Hereditary neoplastic syndrome. Identifiers: Orphanet 140162, MedGen C0027672, MeSH D009386, MONDO:0015356.

Allele frequency attached by ClinVar (database versions not stated): gnomAD exomes below 0.00001.
gnomAD v4.1: 2 of 1,613,252 alleles (0.00012%); highest among the groups gnomAD compares: African/African-American, 0.0027%; no homozygotes.

Submission:

Ambry Genetics
Classification: Pathogenic for Hereditary cancer-predisposing syndrome. Last evaluated: 2020-02-12. Review status: criteria provided, single submitter. Criteria: Ambry Variant Classification Scheme 2023. Collection method: clinical testing. Allele origin: germline.
Comment: The p.Q306* pathogenic mutation (also known as c.916C>T), located in coding exon 8 of the MRE11A gene, results from a C to T substitution at nucleotide position 916. This changes the amino acid from a glutamine to a stop codon within coding exon 8. One study detected this alteration in 0/3030 pancreatic cancer cases and in 1/123136 population controls (Hu C et al. JAMA, 2018 06;319:2401-2409). In addition to the clinical data presented in the literature, this alteration is expected to result in loss of function by premature protein truncation or nonsense-mediated mRNA decay. As such, this alteration is interpreted as a disease-causing mutation.

Literature cited by the submitters: PubMed 29922827.

NM_005591.4(MRE11):c.916C>T (p.Gln306Ter)

Gene: MRE11 (MRE11 double strand break repair nuclease; minus strand). Cytogenetic location: 11q21.
Variant type: single nucleotide variant.
Coding change: c.916C>T on transcript NM_005591.4 (MANE Select); coding-DNA position 916, C replaced by T.
Protein change: p.Gln306Ter; replaces glutamine 306 with a stop codon.
Molecular consequence: nonsense.
Genome position (GRCh38, 1-based): chr11:94,470,572, G>A on the plus strand (C>T on the coding strand, the complement: MRE11 is on the minus strand). VCF-style: chr11-94470572-G-A. GRCh37 (hg19) VCF-style: chr11-94203738-G-A.
Other names: c.916C>T, p.Gln306Ter (NM_001330347.2, NM_005590.4); short protein forms Q306*.
Identifiers: ClinVar variation 1800285 (VCV001800285.2), dbSNP rs1343179190, ClinGen allele CA382374486.